The following is an entry in ClinVar:

NM_001365088.1(SLC12A6):c.1471_1473delinsTTCCATTCCAT (p.Ile491fs)

Gene: SLC12A6 (solute carrier family 12 member 6; minus strand). Cytogenetic location: 15q14.
Variant type: Indel.
Coding change: c.1471_1473delinsTTCCATTCCAT on transcript NM_001365088.1 (MANE Select); coding-DNA positions 1471 to 1473, ATC replaced by TTCCATTCCAT.
Protein change: p.Ile491fs; shifts the reading frame from isoleucine 491.
Molecular consequence: frameshift variant.
Genome position (GRCh38, 1-based): chr15:34,250,918-34,250,920, GAT replaced by ATGGAATGGAA on the plus strand (ATC replaced by TTCCATTCCAT on the coding strand, the reverse complement: SLC12A6 is on the minus strand). VCF-style: chr15-34250918-GAT-ATGGAATGGAA. GRCh37 (hg19) VCF-style: chr15-34543119-GAT-ATGGAATGGAA.
Other names: c.1294_1296delinsTTCCATTCCAT, p.Ile432fs (NM_001042494.2, NM_001042495.2); c.1444_1446delinsTTCCATTCCAT, p.Ile482fs (NM_001042496.2); c.1426_1428delinsTTCCATTCCAT, p.Ile476fs (NM_001042497.2); c.1318_1320delinsTTCCATTCCAT, p.Ile440fs (NM_005135.2); c.1471_1473delinsTTCCATTCCAT, p.Ile491fs (NM_133647.2); short protein forms I432fs, I440fs, I476fs, I482fs, I491fs.
Identifiers: ClinVar variation 1726661 (VCV001726661.2), dbSNP rs2509803879, ClinGen allele CA2580089285.

ClinVar aggregate classification (germline): Likely pathogenic (1 of 4 stars; one submission).

Conditions:
Agenesis of the corpus callosum with peripheral neuropathy (ACCPN). Also called: CHARLEVOIX DISEASE; POLYNEUROPATHY, SENSORIMOTOR, WITH OR WITHOUT AGENESIS OF THE CORPUS CALLOSUM; HMSN/ACC; Hereditary Motor and Sensory Neuropathy with Agenesis of the Corpus Callosum. Identifiers: Orphanet 1496, MedGen C0795950, MONDO:0000902, OMIM 218000. Disease mechanism: loss of function.

Submission:

Myriad Genetics, Inc.
Classification: Likely pathogenic for Agenesis of the corpus callosum with peripheral neuropathy. Last evaluated: 2021-12-30. Review status: criteria provided, single submitter. Criteria: Myriad Women's Health Autosomal Recessive and X-Linked Classification Criteria (2021). Collection method: clinical testing. Allele origin: unknown.
Comment: NM_133647.1(SLC12A6):c.1471_1473del3ins11(I491Ffs*22) is expected to be pathogenic in the context of Andermann syndrome. This variant is predicted to lead to an abnormal or absent protein product due to the creation of a premature termination codon in SLC12A6, a gene where loss-of-function variants are known to be pathogenic. Please note: this variant was assessed in the context of healthy population screening.